The following is an entry in ClinVar:

NM_001041.4(SI):c.3633+5G>A

Gene: SI (sucrase-isomaltase; minus strand). Cytogenetic location: 3q26.1.
Variant type: single nucleotide variant.
Coding change: c.3633+5G>A on transcript NM_001041.4 (MANE Select); 5 bases into the intron after coding-DNA position 3633, G replaced by A.
Molecular consequence: intron variant.
Genome position (GRCh38, 1-based): chr3:165,017,756, C>T on the plus strand (G>A on the coding strand, the complement: SI is on the minus strand). VCF-style: chr3-165017756-C-T. GRCh37 (hg19) VCF-style: chr3-164735544-C-T.
Identifiers: ClinVar variation 2420532 (VCV002420532.3), dbSNP rs368732018, ClinGen allele CA2690199.

ClinVar aggregate classification (germline): Uncertain significance (1 of 4 stars; one submission).

Allele frequency attached by ClinVar (database versions not stated): ExAC 0.00001; gnomAD 0.00008; TOPMed 0.00011; ESP Exome Variant Server 0.00023.
gnomAD v4.1: 27 of 1,607,184 alleles (0.0017%); highest among the groups gnomAD compares: Middle Eastern, 0.049%; no homozygotes.

Submission:

Labcorp Genetics (formerly Invitae), Labcorp
Classification: Uncertain significance. Last evaluated: 2022-07-11. Review status: criteria provided, single submitter. Criteria: Invitae Variant Classification Sherloc (09022015). Collection method: clinical testing. Allele origin: germline.
Comment: This sequence change falls in intron 30 of the SI gene. It does not directly change the encoded amino acid sequence of the SI protein. It affects a nucleotide within the consensus splice site. This variant is present in population databases (rs368732018, gnomAD 0.01%). This variant has not been reported in the literature in individuals affected with SI-related conditions. Variants that disrupt the consensus splice site are a relatively common cause of aberrant splicing (PMID: 17576681, 9536098). Algorithms developed to predict the effect of sequence changes on RNA splicing suggest that this variant may disrupt the consensus splice site. In summary, the available evidence is currently insufficient to determine the role of this variant in disease. Therefore, it has been classified as a Variant of Uncertain Significance.

Literature cited by the submitters: PubMed 17576681; PubMed 9536098.